The following is an entry in ClinVar:

ClinVar aggregate classification (germline): Uncertain significance (1 of 4 stars; one submission).

Allele frequency attached by ClinVar (database versions not stated): gnomAD exomes below 0.00001; TOPMed below 0.00001.
gnomAD v4.1: 2 of 1,448,868 alleles (0.00014%); highest among the groups gnomAD compares: Non-Finnish European, 0.00018%; no homozygotes.

Submission:

Labcorp Genetics (formerly Invitae), Labcorp
Classification: Uncertain significance. Last evaluated: 2024-12-16. Review status: criteria provided, single submitter. Criteria: Invitae Variant Classification Sherloc (09022015). Collection method: clinical testing. Allele origin: germline.
Comment: This sequence change replaces alanine, which is neutral and non-polar, with threonine, which is neutral and polar, at codon 3 of the CDCA7 protein (p.Ala3Thr). This variant is not present in population databases (gnomAD no frequency). This variant has not been reported in the literature in individuals affected with CDCA7-related conditions. ClinVar contains an entry for this variant (Variation ID: 1940150). An algorithm developed to predict the effect of missense changes on protein structure and function outputs the following: PolyPhen-2: "Benign". The threonine amino acid residue is found in multiple mammalian species, which suggests that this missense change does not adversely affect protein function. In summary, the available evidence is currently insufficient to determine the role of this variant in disease. Therefore, it has been classified as a Variant of Uncertain Significance.

NM_031942.5(CDCA7):c.7G>A (p.Ala3Thr)

Gene: CDCA7 (cell division cycle associated 7; plus strand). Cytogenetic location: 2q31.1.
Variant type: single nucleotide variant.
Coding change: c.7G>A on transcript NM_031942.5 (MANE Select); coding-DNA position 7, G replaced by A.
Protein change: p.Ala3Thr; replaces alanine 3 with threonine.
Molecular consequence: missense variant.
Genome position (GRCh38, 1-based): chr2:173,354,970, G>A. VCF-style: chr2-173354970-G-A. GRCh37 (hg19) VCF-style: chr2-174219698-G-A.
Other names: c.7G>A, p.Ala3Thr (NM_145810.3); short protein forms A3T.
Identifiers: ClinVar variation 1940150 (VCV001940150.5), dbSNP rs573838501, ClinGen allele CA349318783.